The following is an entry in ClinVar:

ClinVar aggregate classification (germline): Uncertain significance. Review status: criteria provided, multiple submitters, no conflicts (2 of 4 stars). 2 submissions from 2 submitters: Uncertain significance (2). Last evaluated 2025-03-12.

Conditions:
Cardiovascular phenotype. Identifiers: MedGen CN230736.
Brugada syndrome 7 (BRGDA7). Identifiers: Orphanet 130, MedGen C2751088, MONDO:0013146, OMIM 613120.

Allele frequency attached by ClinVar (database versions not stated): gnomAD 0.00001 and 0.00002; TOPMed 0.00002.
gnomAD v4.1: 5 of 1,614,104 alleles (0.00031%); highest among the groups gnomAD compares: African/African-American, 0.0053%; no homozygotes.

Submissions (2):

Ambry Genetics
Classification: Uncertain significance for Cardiovascular phenotype. Last evaluated: 2025-03-12. Review status: criteria provided, single submitter. Criteria: Ambry Variant Classification Scheme 2023. Collection method: clinical testing. Allele origin: germline.
Comment: The c.55+3A>G intronic variant results from an A to G substitution 3 nucleotides after coding exon 1 in the SCN3B gene. This nucleotide position is highly conserved in available vertebrate species. In silico splice site analysis predicts that this alteration may result in the creation or strengthening of a novel splice donor site. The evidence for this gene-disease relationship is limited; therefore, the clinical significance of this alteration is unclear.

Labcorp Genetics (formerly Invitae), Labcorp
Classification: Uncertain significance for Brugada syndrome 7. Last evaluated: 2021-05-31. Review status: criteria provided, single submitter. Criteria: Invitae Variant Classification Sherloc (09022015). Collection method: clinical testing. Allele origin: germline.
Comment: In summary, the available evidence is currently insufficient to determine the role of this variant in disease. Therefore, it has been classified as a Variant of Uncertain Significance. Nucleotide substitutions within the consensus splice site are a relatively common cause of aberrant splicing (PMID: 17576681, 9536098). Algorithms developed to predict the effect of sequence changes on RNA splicing suggest that this variant may disrupt the consensus splice site, but this prediction has not been confirmed by published transcriptional studies. This variant has not been reported in the literature in individuals with SCN3B-related conditions. This variant is not present in population databases (ExAC no frequency). This sequence change falls in intron 1 of the SCN3B gene. It does not directly change the encoded amino acid sequence of the SCN3B protein. It affects a nucleotide within the consensus splice site of the intron.

Literature cited by the submitters: PubMed 17576681 (cited by Labcorp Genetics (formerly Invitae), Labcorp); PubMed 9536098 (cited by Labcorp Genetics (formerly Invitae), Labcorp).

NM_001040151.2(SCN3B):c.55+3A>G

Gene: SCN3B (sodium voltage-gated channel beta subunit 3; minus strand). Cytogenetic location: 11q24.1.
Variant type: single nucleotide variant.
Coding change: c.55+3A>G on transcript NM_001040151.2 (MANE Select); 3 bases into the intron after coding-DNA position 55, A replaced by G.
Molecular consequence: intron variant.
Genome position (GRCh38, 1-based): chr11:123,653,744, T>C on the plus strand (A>G on the coding strand, the complement: SCN3B is on the minus strand). VCF-style: chr11-123653744-T-C. GRCh37 (hg19) VCF-style: chr11-123524452-T-C.
Other names: c.55+3A>G (NM_018400.4, NM_018400.3).
Identifiers: ClinVar variation 1496868 (VCV001496868.8), dbSNP rs767074394, ClinGen allele CA229989015.